The following is an entry in ClinVar:

NM_000211.5(ITGB2):c.1332G>T (p.Gln444His)

Gene: ITGB2 (integrin subunit beta 2; minus strand). Cytogenetic location: 21q22.3.
Variant type: single nucleotide variant.
Coding change: c.1332G>T on transcript NM_000211.5 (MANE Select); coding-DNA position 1332, G replaced by T.
Protein change: p.Gln444His; replaces glutamine 444 with histidine.
Molecular consequence: missense variant.
Genome position (GRCh38, 1-based): chr21:44,891,889, C>A on the plus strand (G>T on the coding strand, the complement: ITGB2 is on the minus strand). VCF-style: chr21-44891889-C-A. GRCh37 (hg19) VCF-style: chr21-46311804-C-A.
Other names: c.1332G>T, p.Gln444His (NM_001127491.3); c.1125G>T, p.Gln375His (NM_001303238.2); short protein forms Q375H, Q444H.
Identifiers: ClinVar variation 1024102 (VCV001024102.6), dbSNP rs767850773, ClinGen allele CA321895926.

ClinVar aggregate classification (germline): Uncertain significance (1 of 4 stars; one submission).

Conditions:
Leukocyte adhesion deficiency 1 (LAD1). Also called: LAD 1; Lymphocyte function-associated antigen 1 immunodeficiency; LFA 1 immunodeficiency; LEUKOCYTE ADHESION DEFICIENCY, TYPE I. Identifiers: Orphanet 2968, Orphanet 99842, MedGen C0398738, MONDO:0007293, OMIM 116920.

gnomAD v4.1: 6 of 1,613,044 alleles (0.00037%); highest among the groups gnomAD compares: Admixed American, 0.0083%; no homozygotes.

Submission:

Labcorp Genetics (formerly Invitae), Labcorp
Classification: Uncertain significance for Leukocyte adhesion deficiency 1. Last evaluated: 2021-08-30. Review status: criteria provided, single submitter. Criteria: Invitae Variant Classification Sherloc (09022015). Collection method: clinical testing. Allele origin: germline.
Comment: This sequence change replaces glutamine with histidine at codon 444 of the ITGB2 protein (p.Gln444His). The glutamine residue is highly conserved and there is a small physicochemical difference between glutamine and histidine. This variant is not present in population databases (ExAC no frequency). This variant has not been reported in the literature in individuals affected with ITGB2-related conditions. Algorithms developed to predict the effect of missense changes on protein structure and function are either unavailable or do not agree on the potential impact of this missense change (SIFT: "Tolerated"; PolyPhen-2: "Probably Damaging"; Align-GVGD: "Class C0"). In summary, the available evidence is currently insufficient to determine the role of this variant in disease. Therefore, it has been classified as a Variant of Uncertain Significance.